The following is an entry in ClinVar:

ClinVar aggregate classification (germline): Likely benign. Review status: criteria provided, multiple submitters, no conflicts (2 of 4 stars). 2 submissions from 2 submitters: Likely benign (2). Last evaluated 2024-02-20.

Conditions:
Familial cold autoinflammatory syndrome 2 (FCAS2). Identifiers: Orphanet 247868, MedGen C2673198, MONDO:0012724, OMIM 611762.

Allele frequency attached by ClinVar (database versions not stated): gnomAD exomes below 0.00001; TOPMed below 0.00001; ExAC 0.00001.
gnomAD v4.1: 5 of 1,613,838 alleles (0.00031%); highest among the groups gnomAD compares: South Asian, 0.0022%; no homozygotes.

Submissions (2):

Labcorp Genetics (formerly Invitae), Labcorp
Classification: Likely benign for Familial cold autoinflammatory syndrome 2. Last evaluated: 2024-02-20. Review status: criteria provided, single submitter. Criteria: Invitae Variant Classification Sherloc (09022015). Collection method: clinical testing. Allele origin: germline.

CeGaT Center for Human Genetics Tuebingen
Classification: Likely benign. Last evaluated: 2022-05-01. Review status: criteria provided, single submitter. Criteria: CeGaT Center For Human Genetics Tuebingen Variant Classification Criteria Version 2. Collection method: clinical testing. Allele origin: germline. Affected: yes. Observed: 1 variant allele.
Comment: NLRP12: BP4, BP7

NM_144687.4(NLRP12):c.306C>T (p.Gly102=)

Gene: NLRP12 (NLR family pyrin domain containing 12; minus strand). Cytogenetic location: 19q13.42.
Variant type: single nucleotide variant.
Coding change: c.306C>T on transcript NM_144687.4 (MANE Select); coding-DNA position 306, C replaced by T.
Protein change: p.Gly102=; no amino-acid change (glycine 102 retained).
Molecular consequence: synonymous variant.
Genome position (GRCh38, 1-based): chr19:53,814,972, G>A on the plus strand (C>T on the coding strand, the complement: NLRP12 is on the minus strand). VCF-style: chr19-53814972-G-A. GRCh37 (hg19) VCF-style: chr19-54318226-G-A.
Other names: c.306C>T, p.Gly102= (NM_001277126.2, NM_001277129.1).
Identifiers: ClinVar variation 1392437 (VCV001392437.36), dbSNP rs745452377, ClinGen allele CA9639768.
Genomic context (GRCh38, chr19:53,814,972, plus strand): 5'-TCTTGGAGTGACAAGAGAGACTTCCAGAAGGCATGTTGACTGGTTCCCAAGTGAGGACGG[G>A]CCACCAGGTGGGGTATCTGGAAGAGAAATTGTGGAAGATGAGCTAGCACGCATCTGGCTA-3'
Protein context (NP_653288.1, residues 92-112): EDLVRDTPPG[Gly102=]PSSLGNQSTC